The following is an entry in ClinVar:

ClinVar aggregate classification (germline): Uncertain significance (1 of 4 stars; one submission).

Conditions:
Hereditary cancer-predisposing syndrome. Also called: Hereditary Cancer Syndrome; Hereditary neoplastic syndrome; Tumor predisposition; Neoplastic Syndromes, Hereditary. Identifiers: Orphanet 140162, MedGen C0027672, MeSH D009386, MONDO:0015356.

Submission:

Ambry Genetics
Classification: Uncertain significance for Hereditary cancer-predisposing syndrome. Last evaluated: 2024-01-31. Review status: criteria provided, single submitter. Criteria: Ambry Variant Classification Scheme 2023. Collection method: clinical testing. Allele origin: germline.
Comment: The p.K764E variant (also known as c.2290A>G), located in coding exon 14 of the ATM gene, results from an A to G substitution at nucleotide position 2290. The lysine at codon 764 is replaced by glutamic acid, an amino acid with similar properties. This amino acid position is highly conserved in available vertebrate species. In addition, the in silico prediction for this alteration is inconclusive. Since supporting evidence is limited at this time, the clinical significance of this alteration remains unclear.

NM_000051.4(ATM):c.2290A>G (p.Lys764Glu)

Gene: ATM (ATM serine/threonine kinase; plus strand). Cytogenetic location: 11q22.3.
Variant type: single nucleotide variant.
Coding change: c.2290A>G on transcript NM_000051.4 (MANE Select); coding-DNA position 2290, A replaced by G.
Protein change: p.Lys764Glu; replaces lysine 764 with glutamic acid.
Molecular consequence: missense variant.
Genome position (GRCh38, 1-based): chr11:108,257,520, A>G. VCF-style: chr11-108257520-A-G. GRCh37 (hg19) VCF-style: chr11-108128247-A-G.
Other names: c.2290A>G, p.Lys764Glu (NM_001351834.2); short protein forms K764E.
Identifiers: ClinVar variation 1789100 (VCV001789100.2), dbSNP rs2135406508, ClinGen allele CA382539708.
Genomic context (GRCh38, chr11:108,257,520, plus strand): 5'-TTTTCCTTCTATTCACAATAGTCTCTAATGCAATGTGCAGGAGAAAGTATCACTCTGTTT[A>G]AAAATAAGACAAATGAGGAATTCAGAATTGGTTCCTTGAGAAATATGATGCAGCTATGTA-3'
Protein context (NP_000042.3, residues 754-774): QCAGESITLF[Lys764Glu]NKTNEEFRIG